The following is an entry in ClinVar:

ClinVar aggregate classification (germline): Uncertain significance (1 of 4 stars; one submission).

Submission:

Labcorp Genetics (formerly Invitae), Labcorp
Classification: Uncertain significance. Last evaluated: 2024-11-26. Review status: criteria provided, single submitter. Criteria: Invitae Variant Classification Sherloc (09022015). Collection method: clinical testing. Allele origin: germline.
Comment: This sequence change replaces serine, which is neutral and polar, with tyrosine, which is neutral and polar, at codon 7 of the COL9A2 protein (p.Ser7Tyr). This variant is not present in population databases (gnomAD no frequency). This variant has not been reported in the literature in individuals affected with COL9A2-related conditions. Invitae Evidence Modeling of protein sequence and biophysical properties (such as structural, functional, and spatial information, amino acid conservation, physicochemical variation, residue mobility, and thermodynamic stability) indicates that this missense variant is not expected to disrupt COL9A2 protein function with a negative predictive value of 95%. In summary, the available evidence is currently insufficient to determine the role of this variant in disease. Therefore, it has been classified as a Variant of Uncertain Significance.

NM_001852.4(COL9A2):c.20C>A (p.Ser7Tyr)

Gene: COL9A2 (collagen type IX alpha 2 chain; minus strand). Cytogenetic location: 1p34.2.
Variant type: single nucleotide variant.
Coding change: c.20C>A on transcript NM_001852.4 (MANE Select); coding-DNA position 20, C replaced by A.
Protein change: p.Ser7Tyr; replaces serine 7 with tyrosine.
Molecular consequence: missense variant.
Genome position (GRCh38, 1-based): chr1:40,317,178, G>T on the plus strand (C>A on the coding strand, the complement: COL9A2 is on the minus strand). VCF-style: chr1-40317178-G-T. GRCh37 (hg19) VCF-style: chr1-40782850-G-T.
Other names: short protein forms S7Y.
Identifiers: ClinVar variation 3688403 (VCV003688403.2).